The following is an entry in ClinVar:

NM_000170.3(GLDC):c.2198C>A (p.Ala733Asp)

Gene: GLDC (glycine decarboxylase; minus strand). Cytogenetic location: 9p24.1.
Variant type: single nucleotide variant.
Coding change: c.2198C>A on transcript NM_000170.3 (MANE Select); coding-DNA position 2198, C replaced by A.
Protein change: p.Ala733Asp; replaces alanine 733 with aspartic acid.
Molecular consequence: missense variant.
Genome position (GRCh38, 1-based): chr9:6,556,157, G>T on the plus strand (C>A on the coding strand, the complement: GLDC is on the minus strand). VCF-style: chr9-6556157-G-T. GRCh37 (hg19) VCF-style: chr9-6556157-G-T.
Other names: short protein forms A733D.
Identifiers: ClinVar variation 1494789 (VCV001494789.9), dbSNP rs1817625926, ClinGen allele CA372881164.

ClinVar aggregate classification (germline): Likely pathogenic. Review status: criteria provided, multiple submitters, no conflicts (2 of 4 stars). 2 submissions from 2 submitters: Likely pathogenic (2). Last evaluated 2024-02-08.

Conditions:
Glycine encephalopathy 1 (GCE1). Identifiers: MedGen CN376801, MONDO:0958179, OMIM 605899.
Glycine encephalopathy. Also called: Non-ketotic hyperglycinemia; Nonketotic hyperglycinemia. Identifiers: Orphanet 407, MedGen C0751748, MONDO:0011612, HP:0008288.

Allele frequency attached by ClinVar (database versions not stated): gnomAD 0.00001; TOPMed 0.00001.

Submissions (2):

Fulgent Genetics
Classification: Likely pathogenic for Glycine encephalopathy 1. Last evaluated: 2024-02-08. Review status: criteria provided, single submitter. Criteria: ACMG Guidelines, 2015. Collection method: clinical testing. Allele origin: germline.

Labcorp Genetics (formerly Invitae), Labcorp
Classification: Likely pathogenic for Glycine encephalopathy. Last evaluated: 2023-04-19. Review status: criteria provided, single submitter. Criteria: Invitae Variant Classification Sherloc (09022015). Collection method: clinical testing. Allele origin: germline.
Comment: In summary, the currently available evidence indicates that the variant is pathogenic, but additional data are needed to prove that conclusively. Therefore, this variant has been classified as Likely Pathogenic. Advanced modeling of protein sequence and biophysical properties (such as structural, functional, and spatial information, amino acid conservation, physicochemical variation, residue mobility, and thermodynamic stability) performed at Invitae indicates that this missense variant is expected to disrupt GLDC protein function. ClinVar contains an entry for this variant (Variation ID: 1494789). This missense change has been observed in individual(s) with glycine encephalopathy (PMID: 27362913). This variant is not present in population databases (gnomAD no frequency). This sequence change replaces alanine, which is neutral and non-polar, with aspartic acid, which is acidic and polar, at codon 733 of the GLDC protein (p.Ala733Asp).

Literature cited by the submitters: PubMed 27362913 (cited by Labcorp Genetics (formerly Invitae), Labcorp).